The following is an entry in ClinVar:

NM_001378120.1(MBD5):c.2000T>G (p.Leu667Trp)

Gene: MBD5 (methyl-CpG binding domain protein 5; plus strand). Cytogenetic location: 2q23.1.
Variant type: single nucleotide variant.
Coding change: c.2000T>G on transcript NM_001378120.1 (MANE Select); coding-DNA position 2000, T replaced by G.
Protein change: p.Leu667Trp; replaces leucine 667 with tryptophan.
Molecular consequence: missense variant.
Genome position (GRCh38, 1-based): chr2:148,469,943, T>G. VCF-style: chr2-148469943-T-G. GRCh37 (hg19) VCF-style: chr2-149227512-T-G.
Other names: p.L667W:TTG>TGG; c.2000T>G, p.Leu667Trp (NM_018328.5); short protein forms L667W.
Identifiers: ClinVar variation 206079 (VCV000206079.2), dbSNP rs796052711, ClinGen allele CA315814.

ClinVar aggregate classification (germline): Uncertain significance (1 of 4 stars; one submission).

Allele frequency attached by ClinVar (database versions not stated): gnomAD exomes below 0.00001.
gnomAD v4.1: 1 of 1,613,944 alleles (0.000062%); highest among the groups gnomAD compares: Non-Finnish European, 0.000085%; no homozygotes.

Submission:

GeneDx
Classification: Uncertain significance. Last evaluated: 2016-09-07. Review status: criteria provided, single submitter. Criteria: GeneDx Variant Classification (06012015). Collection method: clinical testing. Allele origin: germline. Affected: yes.
Comment: p.Leu667Trp (TTG>TGG): c.2000 T>G in exon 9 of the MBD5 gene (NM_018328.4) The L667W variant has not been published as a mutation, nor has it been reported as a benign polymorphism to our knowledge. It was not observed in approximately 6,500 individuals of European and African American ancestry in the NHLBI Exome Sequencing Project, indicating it is not a common benign variant in these populations. The L667W variant is a semi-conservative amino acid substitution, which may impact secondary protein structure as these residues differ in some properties. This substitution occurs at a position that is conserved across mammals. In silico analysis predicts this variant is probably damaging to the protein structure/function. However, to our knowledge, only deletions and frameshift mutations in MBD5 have been published in association with epilepsy. Therefore, based on the currently available information, it is unclear whether this variant is a pathogenic mutation or a rare benign variant. The variant is found in EPILEPSY panel(s).